The following is an entry in ClinVar:

NM_001415.4(EIF2S3):c.626C>G (p.Ala209Gly)

Gene: EIF2S3 (eukaryotic translation initiation factor 2 subunit gamma; plus strand). Cytogenetic location: Xp22.11.
Variant type: single nucleotide variant.
Coding change: c.626C>G on transcript NM_001415.4 (MANE Select); coding-DNA position 626, C replaced by G.
Protein change: p.Ala209Gly; replaces alanine 209 with glycine.
Molecular consequence: missense variant.
Genome position (GRCh38, 1-based): chrX:24,062,563, C>G. VCF-style: chrX-24062563-C-G. GRCh37 (hg19) VCF-style: chrX-24080680-C-G.
Other names: short protein forms A209G.
Identifiers: ClinVar variation 2627004 (VCV002627004.1), dbSNP rs1156465520, ClinGen allele CA412595176.

ClinVar aggregate classification (germline): Uncertain significance (1 of 4 stars; one submission).

Submission:

Greenwood Genetic Center Diagnostic Laboratories, Greenwood Genetic Center
Classification: Uncertain significance. Last evaluated: 2023-07-27. Review status: criteria provided, single submitter. Criteria: ACMG Guidelines, 2015. Collection method: clinical testing. Allele origin: germline. Affected: yes.
Comment: PM2, PP2